The following is an entry in ClinVar:

ClinVar aggregate classification (germline): Benign. Review status: criteria provided, multiple submitters, no conflicts (2 of 4 stars). 2 submissions from 2 submitters: Benign (2). Last evaluated 2021-05-14.

Conditions:
Retinitis pigmentosa (RP). Identifiers: Orphanet 791, MedGen C0035334, MeSH D012174, MONDO:0019200, OMIM 268000. Inheritance: Autosomal dominant, autosomal recessive and X linked inheritance.

Allele frequency attached by ClinVar (database versions not stated): gnomAD exomes 0.00192 and 0.00537; ExAC 0.00685; gnomAD 0.02035 and 0.02175; TOPMed 0.02319; 1000 Genomes Project 0.02496; ESP Exome Variant Server 0.02530; 1000 Genomes Project 30x 0.02795.
gnomAD v4.1: 6,023 of 1,611,768 alleles (0.37%); highest among the groups gnomAD compares: African/African-American, 7.2%; 219 homozygotes.

Submissions (2):

GeneDx
Classification: Benign. Last evaluated: 2021-05-14. Review status: criteria provided, single submitter. Criteria: GeneDx Variant Classification Process June 2021. Collection method: clinical testing. Allele origin: germline. Affected: yes.

Illumina Laboratory Services, Illumina
Classification: Benign for Retinitis pigmentosa. Last evaluated: 2018-01-13. Review status: criteria provided, single submitter. Criteria: ICSL Variant Classification Criteria 13 December 2019. Collection method: clinical testing. Allele origin: germline.
Comment: This variant was observed in the ICSL laboratory as part of a predisposition screen in an ostensibly healthy population. It had not been previously curated by ICSL or reported in the Human Gene Mutation Database (HGMD: prior to June 1st, 2018), and was therefore a candidate for classification through an automated scoring system. Utilizing variant allele frequency, disease prevalence and penetrance estimates, and inheritance mode, an automated score was calculated to assess if this variant is too frequent to cause the disease. Based on the score and internal cut-off values, a variant classified as benign is not then subjected to further curation. The score for this variant resulted in a classification of benign for this disease.

NM_004698.4(PRPF3):c.*42C>T

Gene: PRPF3 (pre-mRNA processing factor 3; plus strand). Cytogenetic location: 1q21.2.
Variant type: single nucleotide variant.
Coding change: c.*42C>T on transcript NM_004698.4 (MANE Select); 42 bases downstream of the stop codon, C replaced by T.
Molecular consequence: 3 prime UTR variant. On other transcripts: non-coding transcript variant (4).
Genome position (GRCh38, 1-based): chr1:150,353,021, C>T. VCF-style: chr1-150353021-C-T. GRCh37 (hg19) VCF-style: chr1-150325497-C-T.
Other names: c.*42C>T (NM_001350529.1).
Identifiers: ClinVar variation 292507 (VCV000292507.6), dbSNP rs77626125, ClinGen allele CA1075771.